The following is an entry in ClinVar:

ClinVar aggregate classification (germline): Uncertain significance (1 of 4 stars; one submission).

Conditions:
Cardiospondylocarpofacial syndrome (CSCF). Identifiers: Orphanet 3238, MedGen C2931461, MONDO:0008005, OMIM 157800.

Submission:

Juno Genomics, Hangzhou Juno Genomics, Inc
Classification: Uncertain significance for Cardiospondylocarpofacial syndrome. Review status: criteria provided, single submitter. Criteria: ACMG Guidelines, 2015. Collection method: clinical testing. Allele origin: germline. Affected: yes.
Comment: Absent from controls (or at extremely low frequency if recessive) in Genome Aggregation Database, Exome Sequencing Project, 1000 Genomes Project, or Exome Aggregation Consortium.;Multiple lines of computational evidence support a deleterious effect on the gene or gene product (conservation, evolutionary, splicing impact, etc).;Patient's phenotype or family history is highly specific for a disease with a single genetic etiology.

NM_145331.3(MAP3K7):c.742C>G (p.Arg248Gly)

Gene: MAP3K7 (mitogen-activated protein kinase kinase kinase 7; minus strand). Cytogenetic location: 6q15.
Variant type: single nucleotide variant.
Coding change: c.742C>G on transcript NM_145331.3 (MANE Select); coding-DNA position 742, C replaced by G.
Protein change: p.Arg248Gly; replaces arginine 248 with glycine.
Molecular consequence: missense variant.
Genome position (GRCh38, 1-based): chr6:90,552,174, G>C on the plus strand (C>G on the coding strand, the complement: MAP3K7 is on the minus strand). VCF-style: chr6-90552174-G-C. GRCh37 (hg19) VCF-style: chr6-91261893-G-C.
Other names: c.742C>G, p.Arg248Gly (NM_003188.4, NM_145332.3, NM_145333.3); short protein forms R248G.
Identifiers: ClinVar variation 3381881 (VCV003381881.2).